The following is an entry in ClinVar:

ClinVar aggregate classification (germline): Uncertain significance. Review status: criteria provided, multiple submitters, no conflicts (2 of 4 stars). 6 submissions from 6 submitters: Uncertain significance (5). 1 of the submissions does not count toward it. Last evaluated 2025-09-26.

Conditions:
Hereditary cancer-predisposing syndrome. Also called: Tumor predisposition; Hereditary Cancer Syndrome; Hereditary neoplastic syndrome; Neoplastic Syndromes, Hereditary. Identifiers: Orphanet 140162, MedGen C0027672, MeSH D009386, MONDO:0015356.
Familial cancer of breast. Also called: BREAST CANCER, FAMILIAL; Hereditary breast cancer; hereditary breast carcinoma. Identifiers: Orphanet 227535, MedGen C0346153, MONDO:0016419, OMIM 114480. Disease mechanism: loss of function.

Submissions (6):

Quest Diagnostics Nichols Institute San Juan Capistrano
Classification: Uncertain significance. Last evaluated: 2025-09-26. Review status: criteria provided, single submitter. Criteria: Quest Diagnostics criteria. Collection method: clinical testing. Allele origin: unknown.
Comment: The CHEK2 c.397A>G (p.Thr133Ala) variant has been reported in the published literature in individuals with breast cancer (PMID: 33471991 (2021)), prostate tumor (PMID: 36922933 (2022)), and melanoma (PMID: 33050356 (2020)). In a cell-based assay, this variant has been reported to have a neutral effect on phosphorylation activity (PMID: 33050356 (2020)). This variant has not been reported in large, multi-ethnic general populations (Genome Aggregation Database). Analysis of this variant using bioinformatics tools for the prediction of the effect of amino acid changes on protein structure and function yielded predictions that this variant is benign. Based on the available information, we are unable to determine the clinical significance of this variant.

Labcorp Genetics (formerly Invitae), Labcorp
Classification: Uncertain significance for Familial cancer of breast. Last evaluated: 2025-02-27. Review status: criteria provided, single submitter. Criteria: Invitae Variant Classification Sherloc (09022015). Collection method: clinical testing. Allele origin: germline.
Comment: This sequence change replaces threonine, which is neutral and polar, with alanine, which is neutral and non-polar, at codon 133 of the CHEK2 protein (p.Thr133Ala). This variant is not present in population databases (gnomAD no frequency). This variant has not been reported in the literature in individuals affected with CHEK2-related conditions. ClinVar contains an entry for this variant (Variation ID: 410035). An algorithm developed to predict the effect of missense changes on protein structure and function (PolyPhen-2) suggests that this variant is likely to be tolerated. In summary, the available evidence is currently insufficient to determine the role of this variant in disease. Therefore, it has been classified as a Variant of Uncertain Significance.

Baylor Genetics
Classification: Uncertain significance for Familial cancer of breast. Last evaluated: 2023-10-31. Review status: criteria provided, single submitter. Criteria: ACMG Guidelines, 2015. Collection method: clinical testing. Allele origin: unknown.

Ambry Genetics
Classification: Uncertain significance for Hereditary cancer-predisposing syndrome. Last evaluated: 2023-08-11. Review status: criteria provided, single submitter. Criteria: Ambry Variant Classification Scheme 2023. Collection method: clinical testing. Allele origin: germline.
Comment: The p.T133A variant (also known as c.397A>G), located in coding exon 2 of the CHEK2 gene, results from an A to G substitution at nucleotide position 397. The threonine at codon 133 is replaced by alanine, an amino acid with similar properties. This alteration was detected in an individual with melanoma (Stolarova L et al. Biomedicines, 2020 Oct;8). This amino acid position is well conserved in available vertebrate species. In addition, the in silico prediction for this alteration is inconclusive. Since supporting evidence is limited at this time, the clinical significance of this alteration remains unclear.

Myriad Genetics, Inc.
Classification: Uncertain significance for Familial cancer of breast. Last evaluated: 2023-03-08. Review status: criteria provided, single submitter. Criteria: Myriad Autosomal Dominant, Autosomal Recessive and X-Linked Classification Criteria (2023). Collection method: clinical testing. Allele origin: unknown.
Comment: This variant is classified as a variant of uncertain significance as there is insufficient evidence to determine its impact on protein function and/or cancer risk.

Counsyl
Classification: Uncertain significance for Familial cancer of breast. Last evaluated: 2018-02-16. Review status: no assertion criteria provided. Collection method: clinical testing. Allele origin: unknown. Not counted in ClinVar's aggregate classification.

Literature cited by the submitters: PubMed 33050356 (cited by Quest Diagnostics Nichols Institute San Juan Capistrano and Ambry Genetics); PubMed 33471991 (cited by Quest Diagnostics Nichols Institute San Juan Capistrano); PubMed 36922933 (cited by Quest Diagnostics Nichols Institute San Juan Capistrano).

NM_007194.4(CHEK2):c.397A>G (p.Thr133Ala)

Gene: CHEK2 (checkpoint kinase 2; minus strand). Cytogenetic location: 22q12.1.
Variant type: single nucleotide variant.
Coding change: c.397A>G on transcript NM_007194.4 (MANE Select); coding-DNA position 397, A replaced by G.
Protein change: p.Thr133Ala; replaces threonine 133 with alanine.
Molecular consequence: missense variant.
Genome position (GRCh38, 1-based): chr22:28,725,290, T>C on the plus strand (A>G on the coding strand, the complement: CHEK2 is on the minus strand). VCF-style: chr22-28725290-T-C. GRCh37 (hg19) VCF-style: chr22-29121278-T-C.
Other names: c.526A>G, p.Thr176Ala (NM_001005735.3); c.-381A>G (NM_001257387.3); c.397A>G, p.Thr133Ala (NM_001349956.3, NM_145862.3); short protein forms T133A, T176A.
Identifiers: ClinVar variation 410035 (VCV000410035.18), dbSNP rs1060502703, ClinGen allele CA16616572.
Genomic context (GRCh38, chr22:28,725,290, plus strand): 5'-ATTCATTACCTACCCTGAAAATCCGAAAGTGTTTCTTGCTGTATGTTCGGTATTTATCTG[T>C]TCTTTTCAGCAGTGGTTCATCAAAGCAATATTCACAGCTTTTGTCCCTCCCAAACCAGTA-3'
Protein context (NP_009125.1, residues 123-143): YCFDEPLLKR[Thr133Ala]DKYRTYSKKH